The following is an entry in ClinVar:

ClinVar aggregate classification (germline): Uncertain significance (1 of 4 stars; one submission).

Submission:

Laboratory for Molecular Medicine, Mass General Brigham Personalized Medicine
Classification: Uncertain significance. Last evaluated: 2016-02-11. Review status: criteria provided, single submitter. Criteria: LMM Criteria. Collection method: clinical testing. Allele origin: germline. Observed: 2 variant alleles.
Comment: proposed classification - variant undergoing re-assessment, contact laboratory

NM_002834.5(PTPN11):c.858T>A (p.Asp286Glu)

Gene: PTPN11 (protein tyrosine phosphatase non-receptor type 11; plus strand). Cytogenetic location: 12q24.13.
Variant type: single nucleotide variant.
Coding change: c.858T>A on transcript NM_002834.5 (MANE Select); coding-DNA position 858, T replaced by A.
Protein change: p.Asp286Glu; replaces aspartic acid 286 with glutamic acid.
Molecular consequence: missense variant.
Genome position (GRCh38, 1-based): chr12:112,477,655, T>A. VCF-style: chr12-112477655-T-A. GRCh37 (hg19) VCF-style: chr12-112915459-T-A.
Other names: c.858T>A, p.Asp286Glu (NM_001330437.2, NM_080601.3); c.855T>A, p.Asp285Glu (NM_001374625.1); short protein forms D286E, D285E.
Identifiers: ClinVar variation 44616 (VCV000044616.5), dbSNP rs397516811, ClinGen allele CA134683.